The following is an entry in ClinVar:

NM_021098.3(CACNA1H):c.4929+7G>T

Gene: CACNA1H (calcium voltage-gated channel subunit alpha1 H; plus strand). Cytogenetic location: 16p13.3.
Variant type: single nucleotide variant.
Coding change: c.4929+7G>T on transcript NM_021098.3 (MANE Select); 7 bases into the intron after coding-DNA position 4929, G replaced by T.
Molecular consequence: intron variant.
Genome position (GRCh38, 1-based): chr16:1,213,938, G>T. VCF-style: chr16-1213938-G-T. GRCh37 (hg19) VCF-style: chr16-1263938-G-T.
Other names: c.4911+7G>T (NM_001005407.2).
Identifiers: ClinVar variation 3041212 (VCV003041212.2), dbSNP rs539827298, ClinGen allele CA7801670.
Genomic context (GRCh38, chr16:1,213,938, plus strand): 5'-ATCATCTGTGTCAACGTCATCACCATGTCCATGGAGCACTATAACCAACCCAAGGTGGGT[G>T]CGAGGGGGCCGCGAGGGGCCCAGGGGCTGGGGCACCCCCAGTGGGGCAGCCAACACAGTG-3'

ClinVar aggregate classification (germline): Likely benign (0 of 4 stars; one submission).

Conditions:
CACNA1H-related disorder.

Allele frequency attached by ClinVar (database versions not stated): ExAC 0.00006; 1000 Genomes Project 30x 0.00016; 1000 Genomes Project 0.00020.
gnomAD v4.1: 21 of 1,608,268 alleles (0.0013%); highest among the groups gnomAD compares: African/African-American, 0.023%; no homozygotes.

Submission:

PreventionGenetics, part of Exact Sciences
Classification: Likely benign for CACNA1H-related condition. Last evaluated: 2019-05-09. Review status: no assertion criteria provided. Collection method: clinical testing. Allele origin: germline.
Comment: This variant is classified as likely benign based on ACMG/AMP sequence variant interpretation guidelines (Richards et al. 2015 PMID: 25741868, with internal and published modifications).